The following is an entry in ClinVar:

NM_000553.6(WRN):c.1734T>C (p.Ser578=)

Gene: WRN (WRN RecQ like helicase; plus strand). Cytogenetic location: 8p12.
Variant type: single nucleotide variant.
Coding change: c.1734T>C on transcript NM_000553.6 (MANE Select); coding-DNA position 1734, T replaced by C.
Protein change: p.Ser578=; no amino-acid change (serine 578 retained).
Molecular consequence: synonymous variant.
Genome position (GRCh38, 1-based): chr8:31,090,847, T>C. VCF-style: chr8-31090847-T-C. GRCh37 (hg19) VCF-style: chr8-30948363-T-C.
Other names: p.Ser578=; c.1734T>C (NM_000553.4).
Identifiers: ClinVar variation 1133389 (VCV001133389.10), dbSNP rs867210698, ClinGen allele CA174865692.

ClinVar aggregate classification (germline): Likely benign. Review status: criteria provided, multiple submitters, no conflicts (2 of 4 stars). 4 submissions from 4 submitters: Likely benign (4). Last evaluated 2025-12-15.

Conditions:
WRN-related disorder. Also called: WRN-related condition.
Werner syndrome (WRN). Identifiers: Orphanet 902, MedGen C0043119, MONDO:0010196, OMIM 277700.

Allele frequency attached by ClinVar (database versions not stated): TOPMed below 0.00001; gnomAD 0.00001; gnomAD exomes 0.00001.
gnomAD v4.1: 19 of 1,610,168 alleles (0.0012%); highest among the groups gnomAD compares: Middle Eastern, 0.25%; no homozygotes.

Submissions (4):

Labcorp Genetics (formerly Invitae), Labcorp
Classification: Likely benign for Werner syndrome. Last evaluated: 2025-12-15. Review status: criteria provided, single submitter. Criteria: Invitae Variant Classification Sherloc (09022015). Collection method: clinical testing. Allele origin: germline.

PreventionGenetics, part of Exact Sciences
Classification: Likely benign for WRN-related condition. Last evaluated: 2025-10-20. Review status: criteria provided, single submitter. Criteria: ACMG Guidelines, 2015. Collection method: clinical testing. Allele origin: germline.
Comment: This variant is classified as likely benign based on ACMG/AMP sequence variant interpretation guidelines (Richards et al. 2015 PMID: 25741868, with internal and published modifications).

Mayo Clinic Laboratories, Mayo Clinic
Classification: Likely benign. Last evaluated: 2025-06-12. Review status: criteria provided, single submitter. Criteria: ACMG Guidelines, 2015. Collection method: clinical testing. Allele origin: germline. Observed: 1 variant allele.
Comment: BP4, BP7

Blueprint Genetics
Classification: Likely benign. Last evaluated: 2024-09-24. Review status: criteria provided, single submitter. Criteria: ACMG Guidelines, 2015. Collection method: clinical testing. Allele origin: germline.